The following is an entry in ClinVar:

ClinVar aggregate classification (germline): Benign (1 of 4 stars; one submission).

Conditions:
Lynch syndrome 5 (LYNCH5). Also called: Colorectal cancer, hereditary nonpolyposis, type 5; Hereditary non-polyposis colorectal cancer, type 5. Identifiers: Orphanet 144, MedGen C1833477, MONDO:0013710, OMIM 614350. Disease mechanism: loss of function.

gnomAD v4.1: 1 of 1,612,506 alleles (0.000062%); highest among the groups gnomAD compares: East Asian, 0.0022%; no homozygotes.

Submission:

Myriad Genetics, Inc.
Classification: Benign for Lynch syndrome 5. Last evaluated: 2025-01-07. Review status: criteria provided, single submitter. Criteria: Myriad Autosomal Dominant, Autosomal Recessive and X-Linked Classification Criteria (2023). Collection method: clinical testing. Allele origin: unknown.
Comment: This variant is considered benign. This variant is a silent/synonymous amino acid change and it is not expected to impact splicing.

NM_000179.3(MSH6):c.3540A>G (p.Ser1180=)

Gene: MSH6 (mutS homolog 6; plus strand). Cytogenetic location: 2p16.3.
Variant type: single nucleotide variant.
Coding change: c.3540A>G on transcript NM_000179.3 (MANE Select); coding-DNA position 3540, A replaced by G.
Protein change: p.Ser1180=; no amino-acid change (serine 1180 retained).
Molecular consequence: synonymous variant. On other transcripts: non-coding transcript variant (4).
Genome position (GRCh38, 1-based): chr2:47,805,011, A>G. VCF-style: chr2-47805011-A-G. GRCh37 (hg19) VCF-style: chr2-48032150-A-G.
Other names: c.3150A>G, p.Ser1050= (NM_001281492.2); c.2634A>G, p.Ser878= (NM_001281493.2, NM_001281494.2, NM_001406811.1 and 6 more transcripts); c.3636A>G, p.Ser1212= (NM_001406795.1, NM_001406802.1); c.3540A>G, p.Ser1180= (NM_001406796.1, NM_001406800.1, NM_001406808.1 and 1 more transcripts); c.3243A>G, p.Ser1081= (NM_001406797.1, NM_001406801.1, NM_001406805.1 and 10 more transcripts); c.3366A>G, p.Ser1122= (NM_001406798.1); c.3015A>G, p.Ser1005= (NM_001406799.1, NM_001406806.1, NM_001406807.1); c.2676A>G, p.Ser892= (NM_001406803.1); and 7 more.
Identifiers: ClinVar variation 3903965 (VCV003903965.1).